The following is an entry in ClinVar:

ClinVar aggregate classification (germline): Conflicting classifications of pathogenicity. Review status: criteria provided, conflicting classifications (1 of 4 stars). 7 submissions from 7 submitters: Uncertain significance (1); Benign (1); Likely benign (5). Last evaluated 2026-01-19.

Conditions:
Frontotemporal dementia and/or amyotrophic lateral sclerosis 6 (FTDALS6). Also called: VCP-Related Amyotrophic Lateral Sclerosis/Frontotemporal Dementia; VCP-Related Amyotrophic Lateral Sclerosis. Identifiers: Orphanet 275872, Orphanet 803, MedGen C5436279, MONDO:0013501, OMIM 613954.
Inclusion body myopathy with Paget disease of bone and frontotemporal dementia. Also called: Inclusion body myopathy with early-onset Paget disease and frontotemporal dementia. Identifiers: Orphanet 52430, MedGen C1833662, MONDO:0000507.
Inborn genetic diseases. Identifiers: MedGen C0950123, MeSH D030342.

Allele frequency attached by ClinVar (database versions not stated): ExAC 0.00003; gnomAD 0.00004; gnomAD exomes 0.00004 and 0.00012; TOPMed 0.00006; ESP Exome Variant Server 0.00008.
gnomAD v4.1: 171 of 1,613,924 alleles (0.011%); highest among the groups gnomAD compares: Non-Finnish European, 0.014%; no homozygotes.

Submissions (7):

Labcorp Genetics (formerly Invitae), Labcorp
Classification: Likely benign for Inclusion body myopathy with Paget disease of bone and frontotemporal dementia; Frontotemporal dementia and/or amyotrophic lateral sclerosis 6. Last evaluated: 2026-01-19. Review status: criteria provided, single submitter. Criteria: Invitae Variant Classification Sherloc (09022015). Collection method: clinical testing. Allele origin: germline.

CeGaT Center for Human Genetics Tuebingen
Classification: Likely benign. Last evaluated: 2026-01-01. Review status: criteria provided, single submitter. Criteria: CeGaT Center For Human Genetics Tuebingen Variant Classification Criteria Version 2. Collection method: clinical testing. Allele origin: germline. Affected: yes. Observed: 2 variant alleles.
Comment: VCP: BP4, BP7

Women's Health and Genetics/Laboratory Corporation of America, LabCorp
Classification: Benign. Last evaluated: 2025-12-29. Review status: criteria provided, single submitter. Criteria: LabCorp Variant Classification Summary - May 2015. Collection method: clinical testing. Allele origin: germline.

Mayo Clinic Laboratories, Mayo Clinic
Classification: Likely benign. Last evaluated: 2025-10-19. Review status: criteria provided, single submitter. Criteria: ACMG Guidelines, 2015. Collection method: clinical testing. Allele origin: germline. Observed: 1 variant allele.
Comment: BP4, BP7

Blueprint Genetics
Classification: Likely benign. Last evaluated: 2024-09-02. Review status: criteria provided, single submitter. Criteria: ACMG Guidelines, 2015. Collection method: clinical testing. Allele origin: germline.

Ambry Genetics
Classification: Likely benign for Inborn genetic diseases. Last evaluated: 2019-07-11. Review status: criteria provided, single submitter. Criteria: Ambry Variant Classification Scheme 2023. Collection method: clinical testing. Allele origin: germline.

Eurofins Ntd Llc (ga)
Classification: Uncertain significance. Last evaluated: 2017-10-04. Review status: criteria provided, single submitter. Criteria: EGL Classification Definitions 2015. Collection method: clinical testing. Allele origin: germline. Observed: 1 variant allele, 1 heterozygote.

Literature cited by the submitters: PubMed 22078486 (cited by Mayo Clinic Laboratories, Mayo Clinic).

NM_007126.5(VCP):c.1242G>A (p.Leu414=)

Gene: VCP (valosin containing protein; minus strand). Cytogenetic location: 9p13.3.
Variant type: single nucleotide variant.
Coding change: c.1242G>A on transcript NM_007126.5 (MANE Select); coding-DNA position 1242, G replaced by A.
Protein change: p.Leu414=; no amino-acid change (leucine 414 retained).
Molecular consequence: synonymous variant.
Genome position (GRCh38, 1-based): chr9:35,061,132, C>T on the plus strand (G>A on the coding strand, the complement: VCP is on the minus strand). VCF-style: chr9-35061132-C-T. GRCh37 (hg19) VCF-style: chr9-35061129-C-T.
Other names: p.Leu414=; c.1107G>A, p.Leu369= (NM_001354927.2, NM_001354928.2).
Identifiers: ClinVar variation 594371 (VCV000594371.52), dbSNP rs375262833, ClinGen allele CA5039286.